The following is an entry in ClinVar:

ClinVar aggregate classification (germline): Uncertain significance (1 of 4 stars; one submission).

Conditions:
Transcobalamin II deficiency (TCN2D). Also called: TC II DEFICIENCY; TCN2 DEFICIENCY; Transcolabamin II deficiency. Identifiers: Orphanet 859, MedGen C0342701, MONDO:0010149, OMIM 275350.

Allele frequency attached by ClinVar (database versions not stated): gnomAD 0.00009 and 0.00010; TOPMed 0.00009.

Submission:

Labcorp Genetics (formerly Invitae), Labcorp
Classification: Uncertain significance for Transcobalamin II deficiency. Last evaluated: 2022-08-31. Review status: criteria provided, single submitter. Criteria: Invitae Variant Classification Sherloc (09022015). Collection method: clinical testing. Allele origin: germline.
Comment: This sequence change replaces tyrosine, which is neutral and polar, with cysteine, which is neutral and slightly polar, at codon 55 of the TCN2 protein (p.Tyr55Cys). This variant is present in population databases (rs201701227, gnomAD 0.04%). This variant has not been reported in the literature in individuals affected with TCN2-related conditions. ClinVar contains an entry for this variant (Variation ID: 573502). Algorithms developed to predict the effect of missense changes on protein structure and function (SIFT, PolyPhen-2, Align-GVGD) all suggest that this variant is likely to be disruptive. In summary, the available evidence is currently insufficient to determine the role of this variant in disease. Therefore, it has been classified as a Variant of Uncertain Significance.

NM_000355.4(TCN2):c.164A>G (p.Tyr55Cys)

Gene: TCN2 (transcobalamin 2; plus strand). Cytogenetic location: 22q12.2.
Variant type: single nucleotide variant.
Coding change: c.164A>G on transcript NM_000355.4 (MANE Select); coding-DNA position 164, A replaced by G.
Protein change: p.Tyr55Cys; replaces tyrosine 55 with cysteine.
Molecular consequence: missense variant.
Genome position (GRCh38, 1-based): chr22:30,610,970, A>G. VCF-style: chr22-30610970-A-G. GRCh37 (hg19) VCF-style: chr22-31006957-A-G.
Other names: c.164A>G, p.Tyr55Cys (NM_001184726.2); short protein forms Y55C.
Identifiers: ClinVar variation 573502 (VCV000573502.4), dbSNP rs201701227, ClinGen allele CA10184503.